The following is an entry in ClinVar:

ClinVar aggregate classification (germline): Uncertain significance (1 of 4 stars; one submission).

Conditions:
Dilated cardiomyopathy 1DD (CMD1DD). Identifiers: Orphanet 154, MedGen C2750995, MONDO:0013168, OMIM 613172.

Submission:

Labcorp Genetics (formerly Invitae), Labcorp
Classification: Uncertain significance for Dilated cardiomyopathy 1DD. Last evaluated: 2025-02-07. Review status: criteria provided, single submitter. Criteria: Invitae Variant Classification Sherloc (09022015). Collection method: clinical testing. Allele origin: germline.
Comment: This sequence change replaces glutamine, which is neutral and polar, with glutamic acid, which is acidic and polar, at codon 189 of the RBM20 protein (p.Gln189Glu). This variant is not present in population databases (gnomAD no frequency). This variant has not been reported in the literature in individuals affected with RBM20-related conditions. Invitae Evidence Modeling of protein sequence and biophysical properties (such as structural, functional, and spatial information, amino acid conservation, physicochemical variation, residue mobility, and thermodynamic stability) indicates that this missense variant is not expected to disrupt RBM20 protein function with a negative predictive value of 95%. In summary, the available evidence is currently insufficient to determine the role of this variant in disease. Therefore, it has been classified as a Variant of Uncertain Significance.

NM_001134363.3(RBM20):c.565C>G (p.Gln189Glu)

Gene: RBM20 (RNA binding motif protein 20; plus strand). Cytogenetic location: 10q25.2.
Variant type: single nucleotide variant.
Coding change: c.565C>G on transcript NM_001134363.3 (MANE Select); coding-DNA position 565, C replaced by G.
Protein change: p.Gln189Glu; replaces glutamine 189 with glutamic acid.
Molecular consequence: missense variant.
Genome position (GRCh38, 1-based): chr10:110,781,174, C>G. VCF-style: chr10-110781174-C-G. GRCh37 (hg19) VCF-style: chr10-112540932-C-G.
Other names: short protein forms Q189E.
Identifiers: ClinVar variation 3636957 (VCV003636957.2).